The following is an entry in ClinVar:

NM_001854.4(COL11A1):c.2375T>G (p.Met792Arg)

Gene: COL11A1 (collagen type XI alpha 1 chain; minus strand). Cytogenetic location: 1p21.1.
Variant type: single nucleotide variant.
Coding change: c.2375T>G on transcript NM_001854.4 (MANE Select); coding-DNA position 2375, T replaced by G.
Protein change: p.Met792Arg; replaces methionine 792 with arginine.
Molecular consequence: missense variant. On other transcripts: non-coding transcript variant (1).
Genome position (GRCh38, 1-based): chr1:102,989,537, A>C on the plus strand (T>G on the coding strand, the complement: COL11A1 is on the minus strand). VCF-style: chr1-102989537-A-C. GRCh37 (hg19) VCF-style: chr1-103455093-A-C.
Other names: c.2258T>G, p.Met753Arg (NM_001190709.2); c.2411T>G, p.Met804Arg (NM_080629.3); c.2027T>G, p.Met676Arg (NM_080630.4); short protein forms M804R, M792R, M676R, M753R.
Identifiers: ClinVar variation 4743468 (VCV004743468.1).

ClinVar aggregate classification (germline): Uncertain significance (1 of 4 stars; one submission).

gnomAD v4.1: 2 of 1,611,242 alleles (0.00012%); highest among the groups gnomAD compares: Non-Finnish European, 0.00017%; no homozygotes.

Submission:

Labcorp Genetics (formerly Invitae), Labcorp
Classification: Uncertain significance. Last evaluated: 2025-07-22. Review status: criteria provided, single submitter. Criteria: Invitae Variant Classification Sherloc (09022015). Collection method: clinical testing. Allele origin: germline.
Comment: This sequence change replaces methionine, which is neutral and non-polar, with arginine, which is basic and polar, at codon 792 of the COL11A1 protein (p.Met792Arg). This variant is present in population databases (no rsID available, gnomAD 0.0009%). This variant has not been reported in the literature in individuals affected with COL11A1-related conditions. Invitae Evidence Modeling of protein sequence and biophysical properties (such as structural, functional, and spatial information, amino acid conservation, physicochemical variation, residue mobility, and thermodynamic stability) indicates that this missense variant is not expected to disrupt COL11A1 protein function with a negative predictive value of 80%. In summary, the available evidence is currently insufficient to determine the role of this variant in disease. Therefore, it has been classified as a Variant of Uncertain Significance.